The following is an entry in ClinVar:

NM_000540.3(RYR1):c.296C>T (p.Thr99Met)

Gene: RYR1 (ryanodine receptor 1; plus strand). Cytogenetic location: 19q13.2.
Variant type: single nucleotide variant.
Coding change: c.296C>T on transcript NM_000540.3 (MANE Select); coding-DNA position 296, C replaced by T.
Protein change: p.Thr99Met; replaces threonine 99 with methionine.
Molecular consequence: missense variant.
Genome position (GRCh38, 1-based): chr19:38,443,583, C>T. VCF-style: chr19-38443583-C-T. GRCh37 (hg19) VCF-style: chr19-38934223-C-T.
Other names: c.296C>T, p.Thr99Met (NM_001042723.2); short protein forms T99M.
Identifiers: ClinVar variation 4079936 (VCV004079936.3).

ClinVar aggregate classification (germline): Uncertain significance. Review status: criteria provided, multiple submitters, no conflicts (2 of 4 stars). 3 submissions from 3 submitters: Uncertain significance (3). Last evaluated 2025-09-09.

Conditions:
Malignant hyperthermia, susceptibility to, 1 (MHS1). Also called: RYR1-Related Malignant Hyperthermia Susceptibility; Malignant hyperthermia suceptibility 1; Anesthesia related hyperthermia; Malignant hyperpyrexia; Fulminating hyperpyrexia; Pharmacogenic myopathy. Identifiers: Orphanet 423, MedGen C2930980, MONDO:0007783, OMIM 145600.

gnomAD v4.1: 30 of 1,613,962 alleles (0.0019%); highest among the groups gnomAD compares: Admixed American, 0.0067%; no homozygotes.

Submissions (3):

Color Diagnostics, LLC DBA Color Health
Classification: Uncertain significance for Malignant hyperthermia, susceptibility to, 1. Last evaluated: 2025-09-09. Review status: criteria provided, single submitter. Criteria: ACMG Guidelines, 2015. Collection method: clinical testing. Allele origin: germline.
Comment: This missense variant replaces threonine with methionine at codon 99 of the RYR1 protein. Variant occurs in the N-terminal region (a.a. 1-552) of RYR1 that is considered to be a hotspot for pathogenic variants that contribute to malignant hyperthermia susceptibility (PMID: 21118704). Computational prediction suggests that this variant may have deleterious impact on protein structure and function. To our knowledge, functional studies have not been reported for this variant. This variant has not been reported in individuals affected with RYR1-related disorders in the literature. This variant has been identified in 10/251164 chromosomes in the general population by the Genome Aggregation Database (gnomAD). The available evidence is insufficient to determine the role of this variant in disease conclusively. Therefore, this variant is classified as a Variant of Uncertain Significance.

GeneDx
Classification: Uncertain significance. Last evaluated: 2025-03-26. Review status: criteria provided, single submitter. Criteria: GeneDx Variant Classification Process June 2021. Collection method: clinical testing. Allele origin: germline. Affected: yes.
Comment: In silico analysis supports that this missense variant has a deleterious effect on protein structure/function; Has not been previously published as pathogenic or benign to our knowledge; This variant is associated with the following publications: (PMID: 33767344)

Revvity Omics, Revvity
Classification: Uncertain significance. Last evaluated: 2023-08-30. Review status: criteria provided, single submitter. Criteria: ACMG Guidelines, 2015. Collection method: clinical testing. Allele origin: germline.

Literature cited by the submitters: PubMed 21118704 (cited by Color Diagnostics, LLC DBA Color Health).